The following is an entry in ClinVar:

NM_032119.4(ADGRV1):c.425dup (p.Asn142fs)

Gene: ADGRV1 (adhesion G protein-coupled receptor V1; plus strand). Cytogenetic location: 5q14.3.
Variant type: Duplication.
Coding change: c.425dup on transcript NM_032119.4 (MANE Select); coding-DNA position 425, one base duplicated (A; older notation c.425dupA).
Protein change: p.Asn142fs; shifts the reading frame from asparagine 142.
Molecular consequence: frameshift variant. On other transcripts: non-coding transcript variant (1).
Genome position (GRCh38, 1-based): chr5:90,619,153, A duplicated; the last of 2 consecutive A bases (chr5:90,619,152-90,619,153); duplicating either gives the same sequence. VCF-style (leftmost placement, unchanged base first): chr5-90619151-C-CA. GRCh37 (hg19) VCF-style: chr5-89914968-C-CA.
Other names: p.Asn142Lysfs*9; short protein forms N142fs.
Identifiers: ClinVar variation 2683610 (VCV002683610.1), dbSNP rs2531720747, ClinGen allele CA2697546229.

ClinVar aggregate classification (germline): Likely pathogenic (1 of 4 stars; one submission).

Submission:

Mayo Clinic Laboratories, Mayo Clinic
Classification: Likely pathogenic. Last evaluated: 2021-11-26. Review status: criteria provided, single submitter. Criteria: ACMG Guidelines, 2015. Collection method: clinical testing. Allele origin: germline. Observed: 1 variant allele.
Comment: PM2, PVS1